The following is an entry in ClinVar:

NM_001288705.3(CSF1R):c.592+5G>A

Gene: CSF1R (colony stimulating factor 1 receptor; minus strand). Cytogenetic location: 5q32.
Variant type: single nucleotide variant.
Coding change: c.592+5G>A on transcript NM_001288705.3 (MANE Select); 5 bases into the intron after coding-DNA position 592, G replaced by A.
Molecular consequence: intron variant.
Genome position (GRCh38, 1-based): chr5:150,080,047, C>T on the plus strand (G>A on the coding strand, the complement: CSF1R is on the minus strand). VCF-style: chr5-150080047-C-T. GRCh37 (hg19) VCF-style: chr5-149459610-C-T.
Other names: c.148+5G>A (NM_001375321.1); c.592+5G>A (NM_005211.4, NM_001375320.1, NM_001349736.2).
Identifiers: ClinVar variation 1722978 (VCV001722978.8), dbSNP rs528081931, ClinGen allele CA3507152.

ClinVar aggregate classification (germline): Conflicting classifications of pathogenicity. Review status: criteria provided, conflicting classifications (1 of 4 stars). 2 submissions from 2 submitters: Uncertain significance (1); Likely benign (1). Last evaluated 2024-10-04.

Allele frequency attached by ClinVar (database versions not stated): gnomAD 0.00003; 1000 Genomes Project 30x 0.00031; 1000 Genomes Project 0.00040.
gnomAD v4.1: 68 of 1,611,618 alleles (0.0042%); highest among the groups gnomAD compares: South Asian, 0.056%; 1 homozygote.

Submissions (2):

Labcorp Genetics (formerly Invitae), Labcorp
Classification: Likely benign. Last evaluated: 2024-10-04. Review status: criteria provided, single submitter. Criteria: Invitae Variant Classification Sherloc (09022015). Collection method: clinical testing. Allele origin: germline.

GeneDx
Classification: Uncertain significance. Last evaluated: 2022-04-26. Review status: criteria provided, single submitter. Criteria: GeneDx Variant Classification Process June 2021. Collection method: clinical testing. Allele origin: germline. Affected: yes.
Comment: In silico analysis, which includes splice predictors and evolutionary conservation, suggests this variant may impact gene splicing. In the absence of RNA/functional studies, the actual effect of this sequence change is unknown.; Has not been previously published as pathogenic or benign to our knowledge